The following is an entry in ClinVar:

NM_001378454.1(ALMS1):c.8917G>A (p.Ala2973Thr)

Gene: ALMS1 (ALMS1 centrosome and basal body associated protein; plus strand). Cytogenetic location: 2p13.1.
Variant type: single nucleotide variant.
Coding change: c.8917G>A on transcript NM_001378454.1 (MANE Select); coding-DNA position 8917, G replaced by A.
Protein change: p.Ala2973Thr; replaces alanine 2973 with threonine.
Molecular consequence: missense variant.
Genome position (GRCh38, 1-based): chr2:73,490,876, G>A. VCF-style: chr2-73490876-G-A. GRCh37 (hg19) VCF-style: chr2-73718003-G-A.
Other names: c.8920G>A, p.Ala2974Thr (NM_015120.4); short protein forms A2973T, A2974T.
Identifiers: ClinVar variation 1049252 (VCV001049252.1), dbSNP rs2103893908, ClinGen allele CA347271540.

ClinVar aggregate classification (germline): Uncertain significance (0 of 4 stars; one submission).

Submission:

Department of Pathology and Laboratory Medicine, Sinai Health System
Classification: Uncertain significance. Review status: no assertion criteria provided. Collection method: clinical testing. Allele origin: unknown. Affected: yes. Study: The Canadian Open Genetics Repository (COGR).
Comment: The ALMS1 p.(Ala2972Thr) variant was not identified in the literature nor was it identified in the dbSNP, ClinVar, Cosmic, MutDB or LOVD 3.0 databases. The variant was not identified in the following control databases: the NHLBI GO Exome Sequencing Project, the Exome Aggregation Consortium (August 8th 2016), or the Genome Aggregation Database (Feb 27, 2017). The c.8914G>A variant occurs outside of the splicing consensus sequence and is not predicted to impact splicing by predicition programs (SplicSiteFinder-Like, MaxEntScan, GeneSplicer, NNSplice). The p.Ala2972 residue is not conserved in mammals and other organisms, and computational analyses (PolyPhen-2, SIFT, AlignGVGD, BLOSUM, MutationTaster) do not suggest a high likelihood of impact to the protein. However, this information is not predictive enough to rule out pathogenicity. In summary, based on the above information the clinical significance of this variant cannot be determined with certainty at this time. This variant is classified as a variant of uncertain significance.